The following is an entry in ClinVar:

ClinVar aggregate classification (germline): Uncertain significance (1 of 4 stars; one submission).

gnomAD v4.1: 5 of 1,614,242 alleles (0.00031%); highest among the groups gnomAD compares: Non-Finnish European, 0.00042%; no homozygotes.

Submission:

Labcorp Genetics (formerly Invitae), Labcorp
Classification: Uncertain significance. Last evaluated: 2026-01-14. Review status: criteria provided, single submitter. Criteria: Invitae Variant Classification Sherloc (09022015). Collection method: clinical testing. Allele origin: germline.
Comment: This sequence change replaces lysine, which is basic and polar, with glutamic acid, which is acidic and polar, at codon 1599 of the TCF20 protein (p.Lys1599Glu). This variant is not present in population databases (gnomAD no frequency). This variant has not been reported in the literature in individuals affected with TCF20-related conditions. An algorithm developed to predict the effect of missense changes on protein structure and function (PolyPhen-2) suggests that this variant is likely to be tolerated. In summary, the available evidence is currently insufficient to determine the role of this variant in disease. Therefore, it has been classified as a Variant of Uncertain Significance.

NM_001378418.1(TCF20):c.4795A>G (p.Lys1599Glu)

Gene: TCF20 (transcription factor 20; minus strand). Cytogenetic location: 22q13.2.
Variant type: single nucleotide variant.
Coding change: c.4795A>G on transcript NM_001378418.1 (MANE Select); coding-DNA position 4795, A replaced by G.
Protein change: p.Lys1599Glu; replaces lysine 1599 with glutamic acid.
Molecular consequence: missense variant.
Genome position (GRCh38, 1-based): chr22:42,210,511, T>C on the plus strand (A>G on the coding strand, the complement: TCF20 is on the minus strand). VCF-style: chr22-42210511-T-C. GRCh37 (hg19) VCF-style: chr22-42606517-T-C.
Other names: c.4795A>G, p.Lys1599Glu (NM_005650.4, NM_181492.3); short protein forms K1599E.
Identifiers: ClinVar variation 4698890 (VCV004698890.1).